The following is an entry in ClinVar:

NM_001005242.3(PKP2):c.916_931del (p.Pro306fs)

Gene: PKP2 (plakophilin 2; minus strand). Cytogenetic location: 12p11.21.
Variant type: Deletion.
Coding change: c.916_931del on transcript NM_001005242.3 (MANE Select); coding-DNA positions 916 to 931, 16 bases deleted (CCCAGTGTCGCCGTGG).
Protein change: p.Pro306fs; shifts the reading frame from proline 306.
Molecular consequence: frameshift variant.
Genome position (GRCh38, 1-based): chr12:32,877,949-32,877,964, CCACGGCGACACTGGG deleted on the plus strand (CCCAGTGTCGCCGTGG on the coding strand, the reverse complement: PKP2 is on the minus strand); deleting any 16 consecutive bases within chr12:32,877,949-32,877,966 gives the same sequence; the c. name uses the placement nearest the transcript's 3' end. VCF-style (leftmost placement, unchanged base first): chr12-32877948-TCCACGGCGACACTGGG-T. GRCh37 (hg19) VCF-style: chr12-33030882-TCCACGGCGACACTGGG-T.
Other names: c.916_931del, p.Pro306fs (NM_001407161.1, NM_004572.4, NM_001407155.1 and 2 more transcripts); c.589_604del, p.Pro197fs (NM_001407162.1, NM_001407158.1, NM_001407159.1 and 1 more transcripts); short protein forms P306fs, P197fs.
Identifiers: ClinVar variation 2828033 (VCV002828033.3), dbSNP rs2541338791, ClinGen allele CA2739271915.

ClinVar aggregate classification (germline): Pathogenic (1 of 4 stars; one submission).

Conditions:
Arrhythmogenic right ventricular dysplasia 9 (ARVD9). Also called: ARRHYTHMOGENIC RIGHT VENTRICULAR DYSPLASIA, FAMILIAL, 9; Arrhythmogenic Right Ventricular Dysplasia/Cardiomyopathy 9. Identifiers: MedGen C1836906, MONDO:0012180, OMIM 609040.

Submission:

Labcorp Genetics (formerly Invitae), Labcorp
Classification: Pathogenic for Arrhythmogenic right ventricular dysplasia 9. Last evaluated: 2023-01-13. Review status: criteria provided, single submitter. Criteria: Invitae Variant Classification Sherloc (09022015). Collection method: clinical testing. Allele origin: germline.
Comment: For these reasons, this variant has been classified as Pathogenic. This variant has not been reported in the literature in individuals affected with PKP2-related conditions. This variant is not present in population databases (gnomAD no frequency). This sequence change creates a premature translational stop signal (p.Pro306Ilefs*9) in the PKP2 gene. It is expected to result in an absent or disrupted protein product. Loss-of-function variants in PKP2 are known to be pathogenic (PMID: 15489853, 23911551).

Literature cited by the submitters: PubMed 15489853; PubMed 23911551.